The following is an entry in ClinVar:

NM_018139.3(DNAAF2):c.404G>A (p.Ser135Asn)

Gene: DNAAF2 (dynein axonemal assembly factor 2; minus strand). Cytogenetic location: 14q21.3.
Variant type: single nucleotide variant.
Coding change: c.404G>A on transcript NM_018139.3 (MANE Select); coding-DNA position 404, G replaced by A.
Protein change: p.Ser135Asn; replaces serine 135 with asparagine.
Molecular consequence: missense variant.
Genome position (GRCh38, 1-based): chr14:49,634,746, C>T on the plus strand (G>A on the coding strand, the complement: DNAAF2 is on the minus strand). VCF-style: chr14-49634746-C-T. GRCh37 (hg19) VCF-style: chr14-50101464-C-T.
Other names: c.404G>A, p.Ser135Asn (NM_001083908.2); short protein forms S135N.
Identifiers: ClinVar variation 1501716 (VCV001501716.8), dbSNP rs759580456, ClinGen allele CA7173117.

ClinVar aggregate classification (germline): Uncertain significance. Review status: criteria provided, multiple submitters, no conflicts (2 of 4 stars). 2 submissions from 2 submitters: Uncertain significance (2). Last evaluated 2024-05-28.

Conditions:
Primary ciliary dyskinesia 10. Also called: CILIARY DYSKINESIA, PRIMARY, 10, WITH OR WITHOUT SITUS INVERSUS. Identifiers: Orphanet 244, MedGen C2675867, MONDO:0012918, OMIM 612518.
Primary ciliary dyskinesia. Also called: Ciliary dyskinesia. Identifiers: Orphanet 244, MedGen C0008780, MONDO:0016575, HP:0012265.

Allele frequency attached by ClinVar (database versions not stated): gnomAD 0.00002; gnomAD exomes 0.00003 and 0.00006; TOPMed 0.00003; ExAC 0.00004.
gnomAD v4.1: 91 of 1,602,248 alleles (0.0057%); highest among the groups gnomAD compares: Non-Finnish European, 0.0074%; no homozygotes.

Submissions (2):

Labcorp Genetics (formerly Invitae), Labcorp
Classification: Uncertain significance for Primary ciliary dyskinesia. Last evaluated: 2024-05-28. Review status: criteria provided, single submitter. Criteria: Invitae Variant Classification Sherloc (09022015). Collection method: clinical testing. Allele origin: germline.
Comment: This sequence change replaces serine, which is neutral and polar, with asparagine, which is neutral and polar, at codon 135 of the DNAAF2 protein (p.Ser135Asn). This variant is present in population databases (rs759580456, gnomAD 0.006%). This variant has not been reported in the literature in individuals affected with DNAAF2-related conditions. ClinVar contains an entry for this variant (Variation ID: 1501716). Advanced modeling of protein sequence and biophysical properties (such as structural, functional, and spatial information, amino acid conservation, physicochemical variation, residue mobility, and thermodynamic stability) performed at Invitae indicates that this missense variant is not expected to disrupt DNAAF2 protein function with a negative predictive value of 80%. In summary, the available evidence is currently insufficient to determine the role of this variant in disease. Therefore, it has been classified as a Variant of Uncertain Significance.

ARUP Laboratories, Molecular Genetics and Genomics, ARUP Laboratories
Classification: Uncertain significance for Primary ciliary dyskinesia 10. Last evaluated: 2023-10-16. Review status: criteria provided, single submitter. Criteria: ARUP Molecular Germline Variant Investigation Process 2024. Collection method: clinical testing. Allele origin: germline.
Comment: The DNAAF2 c.404G>A; p.Ser135Asn variant (rs759580456), to our knowledge, is not reported in the medical literature but is reported in ClinVar (Variation ID: 1501716). This variant is found in the general population with an overall allele frequency of 0.0027% (6/219958 alleles) in the Genome Aggregation Database. Computational analyses predict that this variant is neutral (REVEL: 0.023). Due to limited information, the clinical significance of this variant is uncertain at this time.